The following is an entry in ClinVar:

ClinVar aggregate classification (germline): Pathogenic (1 of 4 stars; one submission).

Conditions:
Premature ovarian failure 5 (POF5). Identifiers: MedGen C1969060, MONDO:0012689, OMIM 611548.

Submission:

Victorian Clinical Genetics Services, Murdoch Childrens Research Institute
Classification: Pathogenic for Premature ovarian failure 5. Last evaluated: 2020-10-19. Review status: criteria provided, single submitter. Criteria: ACMG Guidelines, 2015. Collection method: clinical testing. Allele origin: germline.
Comment: Based on the classification scheme VCGS_Germline_v1.3.3, this variant is classified as Pathogenic. Following criteria are met: 0103 - Dominant negative and loss of function are mechanisms of disease in this gene and are associated with premature ovarian failure 5 (MIM#611548). Loss of function has been clearly demonstrated while dominant-negative has been suggested, although current evidence is limited (PMIDs: 25514101; 21837770; 17701902). (I) 0108 - This gene is associated with both recessive and dominant disease. While the vast majority of variants are heterozygous, there are a small number of homozygous variants that have been more recently reported in affected women (PMIDs: 29067606; 27836978). (I) 0115 - Variants in this gene are known to have variable expressivity. The same variant identified in different individuals can result in heterogeneous clinical presentations (PMID: 21837770). 0201 - Variant is predicted to cause nonsense-mediated decay (NMD) and loss of protein (premature termination codon is located at least 54 nucleotides upstream of the final exon-exon junction). (SP) 0251 - This variant is heterozygous. (I) 0301 - Variant is absent from gnomAD (both v2 and v3). (SP) 0702 - Other NMD-predicted variants comparable to the one identified in this case have strong previous evidence for pathogenicity. There are at least four NMD-predicted variants that have been reported in affected individuals (Decipher; PMIDs: 29067606; 27836978; 27798098) (SP) 0807 - This variant has no previous evidence of pathogenicity. (I) 1208 - Inheritance information for this variant is not currently available in this individual. (I) Legend: (SP) - Supporting pathogenic, (I) - Information, (SB) - Supporting benign

Literature cited by the submitters: PubMed 17701902; PubMed 21837770; PubMed 25514101; PubMed 27798098; PubMed 27836978; PubMed 29067606.

NM_001436401.1(NOBOX):c.958del (p.Val320fs)

Gene: NOBOX (NOBOX oogenesis homeobox; minus strand). Cytogenetic location: 7q35.
Variant type: Deletion.
Coding change: c.958del on transcript NM_001436401.1 (MANE Select); coding-DNA position 958, one base deleted (G; older notation c.958delG).
Protein change: p.Val320fs; shifts the reading frame from valine 320.
Molecular consequence: frameshift variant.
Genome position (GRCh38, 1-based): chr7:144,399,110, C deleted on the plus strand (G on the coding strand, the reverse complement: NOBOX is on the minus strand); the first of 3 consecutive C bases (chr7:144,399,110-144,399,112); deleting any one gives the same sequence. VCF-style (leftmost placement, unchanged base first): chr7-144399109-AC-A. GRCh37 (hg19) VCF-style: chr7-144096202-AC-A.
Other names: NM_001080413.3:c.1309delG; c.406del, p.Val136fs (NM_001436402.1); short protein forms V136fs, V320fs.
Identifiers: ClinVar variation 3376873 (VCV003376873.1).
Genomic context (GRCh38, chr7:144,399,109, plus strand): 5'-AGGGGGAAAGGAAGATCGGCCCTTCGCACAGGTGGGGGGCTGAAGAGTGGGGGGGTCACC[AC>A]CCTCTGAGCACCCTCACTGGGTTGGGTGGGGGCCAAAGTCTGGTCAGAAGTCAGCAGCAT-3'